The following is an entry in ClinVar:

NC_000016.10:g.(89775816_89778800)_(89778851_89778942)del

Gene: FANCA (FA complementation group A; minus strand). Cytogenetic location: 16q24.3.
Variant type: Deletion.
Identifiers: ClinVar variation 974026 (VCV000974026.1).

ClinVar aggregate classification (germline): Uncertain significance (0 of 4 stars; one submission).

Conditions:
Fanconi anemia complementation group A (FANCA). Also called: Fanconi anemia, group A; FANCA-Related Fanconi Anemia. Identifiers: Orphanet 84, MedGen C3469521, MONDO:0009215, OMIM 227650.

Submission:

Leiden Open Variation Database
Classification: Uncertain significance for Fanconi anemia complementation group A. Last evaluated: 2020-02-28. Review status: no assertion criteria provided. Collection method: curation. Allele origin: germline. Affected: yes.
Comment: Curator: Arleen D. Auerbach. Submitter to LOVD: Arleen D. Auerbach.